The following is an entry in ClinVar:

NM_001042545.2(LTBP4):c.1427-13C>G

Gene: LTBP4 (latent transforming growth factor beta binding protein 4; plus strand). Cytogenetic location: 19q13.2.
Variant type: single nucleotide variant.
Coding change: c.1427-13C>G on transcript NM_001042545.2 (MANE Select); 13 bases into the intron before coding-DNA position 1427, C replaced by G.
Molecular consequence: intron variant.
Genome position (GRCh38, 1-based): chr19:40,609,517, C>G. VCF-style: chr19-40609517-C-G. GRCh37 (hg19) VCF-style: chr19-41115423-C-G.
Other names: c.1517-13C>G (NM_003573.2); c.1628-13C>G (NM_001042544.1).
Identifiers: ClinVar variation 179631 (VCV000179631.4), dbSNP rs727505005, ClinGen allele CA184813.

ClinVar aggregate classification (germline): Uncertain significance (1 of 4 stars; one submission).

Submission:

Laboratory for Molecular Medicine, Mass General Brigham Personalized Medicine
Classification: Uncertain significance. Last evaluated: 2014-03-14. Review status: criteria provided, single submitter. Criteria: LMM Criteria. Collection method: clinical testing. Allele origin: germline. Observed: 1 variant allele.
Comment: The 1628-13C>G variant in LTBP4 has not been reported in individuals with pulmon ary disease and data from large population studies is insufficient to assess the frequency of this variant. This variant is located in the 3' splice region. Com putational tools do suggest an impact to splicing. However, this information is not predictive enough to determine pathogenicity. In summary, additional informa tion is needed to fully assess the clinical significance of the 1628-13C>G varia nt.